The following is an entry in ClinVar:

ClinVar aggregate classification (germline): Likely benign (1 of 4 stars; one submission).

Allele frequency attached by ClinVar (database versions not stated): TOPMed 0.00003; ESP Exome Variant Server 0.00008.
gnomAD v4.1: 67 of 1,611,688 alleles (0.0042%); highest among the groups gnomAD compares: East Asian, 0.031%; 1 homozygote.

Submission:

CeGaT Center for Human Genetics Tuebingen
Classification: Likely benign. Last evaluated: 2023-02-01. Review status: criteria provided, single submitter. Criteria: CeGaT Center For Human Genetics Tuebingen Variant Classification Criteria Version 2. Collection method: clinical testing. Allele origin: germline. Affected: yes. Observed: 1 variant allele.
Comment: BRSK2: BP4, BP7

NM_001256627.2(BRSK2):c.894C>T (p.Ile298=)

Gene: BRSK2 (BR serine/threonine kinase 2; plus strand). Cytogenetic location: 11p15.5.
Variant type: single nucleotide variant.
Coding change: c.894C>T on transcript NM_001256627.2 (MANE Select); coding-DNA position 894, C replaced by T.
Protein change: p.Ile298=; no amino-acid change (isoleucine 298 retained).
Molecular consequence: synonymous variant. On other transcripts: non-coding transcript variant (1).
Genome position (GRCh38, 1-based): chr11:1,445,375, C>T. VCF-style: chr11-1445375-C-T. GRCh37 (hg19) VCF-style: chr11-1466605-C-T.
Other names: c.894C>T, p.Ile298= (NM_001256629.2, NM_003957.4); c.1032C>T, p.Ile344= (NM_001256630.1); c.714C>T, p.Ile238= (NM_001282218.2).
Identifiers: ClinVar variation 2641324 (VCV002641324.24), dbSNP rs371631087, ClinGen allele CA5810729.